The following is an entry in ClinVar:

NM_018116.4(MSTO1):c.367-125A>T

Gene: MSTO1 (misato mitochondrial distribution and morphology regulator 1; plus strand). Cytogenetic location: 1q22.
Variant type: single nucleotide variant.
Coding change: c.367-125A>T on transcript NM_018116.4 (MANE Select); 125 bases into the intron before coding-DNA position 367, A replaced by T.
Molecular consequence: intron variant. On other transcripts: 5 prime UTR variant (2).
Genome position (GRCh38, 1-based): chr1:155,611,424, A>T. VCF-style: chr1-155611424-A-T. GRCh37 (hg19) VCF-style: chr1-155581215-A-T.
Other names: c.-293A>T (NM_001350780.1, NM_001350781.1); c.-190-125A>T (NM_001350779.1, NM_001350777.1); c.-239-125A>T (NM_001350784.1, NM_001350787.1); c.-240+69A>T (NM_001350785.1, NM_001350789.1); c.-191+69A>T (NM_001350778.1); c.-169+69A>T (NM_001350786.1, NM_001350788.1, NM_001350782.1 and 1 more transcripts); c.80-3A>T (NM_001350776.1); c.367-125A>T (NM_001350773.1, NM_001350774.1, NM_001350775.1 and 3 more transcripts).
Identifiers: ClinVar variation 5007895 (VCV005007895.2).

ClinVar aggregate classification (germline): Uncertain significance (1 of 4 stars; one submission).

Conditions:
Mitochondrial myopathy-cerebellar ataxia-pigmentary retinopathy syndrome. Also called: MYOPATHY, MITOCHONDRIAL, AND ATAXIA. Identifiers: Orphanet 502423, MedGen C4540096, MONDO:0044714, OMIM 617675.

Submission:

Juno Genomics, Hangzhou Juno Genomics, Inc
Classification: Uncertain significance for Mitochondrial myopathy-cerebellar ataxia-pigmentary retinopathy syndrome. Review status: criteria provided, single submitter. Criteria: ACMG Guidelines, 2015. Collection method: clinical testing. Allele origin: germline.
Comment: Absent from controls (or at extremely low frequency if recessive) in Genome Aggregation Database.;Multiple lines of computational evidence support a deleterious effect on the gene or gene product.